The following is an entry in ClinVar:

NM_000718.4(CACNA1B):c.978G>A (p.Ala326=)

Gene: CACNA1B (calcium voltage-gated channel subunit alpha1 B; plus strand). Cytogenetic location: 9q34.3.
Variant type: single nucleotide variant.
Coding change: c.978G>A on transcript NM_000718.4 (MANE Select); coding-DNA position 978, G replaced by A.
Protein change: p.Ala326=; no amino-acid change (alanine 326 retained).
Molecular consequence: synonymous variant.
Genome position (GRCh38, 1-based): chr9:137,952,285, G>A. VCF-style: chr9-137952285-G-A. GRCh37 (hg19) VCF-style: chr9-140846737-G-A.
Other names: c.978G>A, p.Ala326= (NM_001243812.2).
Identifiers: ClinVar variation 2197412 (VCV002197412.22), dbSNP rs200052754, ClinGen allele CA5376016.
Genomic context (GRCh38, chr9:137,952,285, plus strand): 5'-GACTGTGTTTTGTCCCTGTCCTTCCTCATCTCCCTCTCCTTGCTTCCAGACAAACGATGC[G>A]GCCGGCAACACCTGGAACTGGCTCTACTTCATCCCTCTCATCATCATCGGCTCCTTCTTC-3'
Protein context (NP_000709.1, residues 316-336): WTDILYNTND[Ala326=]AGNTWNWLYF

ClinVar aggregate classification (germline): Likely benign. Review status: criteria provided, multiple submitters, no conflicts (2 of 4 stars). 2 submissions from 2 submitters: Likely benign (2). Last evaluated 2026-01-13.

Allele frequency attached by ClinVar (database versions not stated): gnomAD exomes 0.00007; gnomAD 0.00009; TOPMed 0.00009; ExAC 0.00011; ESP Exome Variant Server 0.00016; 1000 Genomes Project 0.00060; 1000 Genomes Project 30x 0.00062.
gnomAD v4.1: 114 of 1,613,668 alleles (0.0071%); highest among the groups gnomAD compares: East Asian, 0.065%; no homozygotes.

Submissions (2):

Labcorp Genetics (formerly Invitae), Labcorp
Classification: Likely benign. Last evaluated: 2026-01-13. Review status: criteria provided, single submitter. Criteria: Invitae Variant Classification Sherloc (09022015). Collection method: clinical testing. Allele origin: germline.

CeGaT Center for Human Genetics Tuebingen
Classification: Likely benign. Last evaluated: 2024-06-01. Review status: criteria provided, single submitter. Criteria: CeGaT Center For Human Genetics Tuebingen Variant Classification Criteria Version 2. Collection method: clinical testing. Allele origin: germline. Affected: yes. Observed: 1 variant allele.
Comment: CACNA1B: BP4, BP7